The following is an entry in ClinVar:

ClinVar aggregate classification (germline): Uncertain significance (1 of 4 stars; one submission).

Conditions:
Inborn genetic diseases. Identifiers: MedGen C0950123, MeSH D030342.

gnomAD v4.1: 1 of 1,587,076 alleles (0.000063%); highest among the groups gnomAD compares: Admixed American, 0.0018%; no homozygotes.

Submission:

Ambry Genetics
Classification: Uncertain significance for Inborn genetic diseases. Last evaluated: 2025-09-04. Review status: criteria provided, single submitter. Criteria: Ambry Variant Classification Scheme 2023. Collection method: clinical testing. Allele origin: germline.
Comment: The c.5723G>T (p.R1908L) alteration is located in exon 35 (coding exon 32) of the WDFY3 gene. This alteration results from a G to T substitution at nucleotide position 5723, causing the arginine (R) at amino acid position 1908 to be replaced by a leucine (L). This variant was not reported in population-based cohorts in the Genome Aggregation Database (gnomAD). This amino acid position is highly conserved in available vertebrate species. This alteration is predicted to be deleterious by in silico analysis. Based on insufficient or conflicting evidence, the clinical significance of this alteration remains unclear.

NM_014991.6(WDFY3):c.5723G>T (p.Arg1908Leu)

Gene: WDFY3 (WD repeat and FYVE domain containing 3; minus strand). Cytogenetic location: 4q21.23.
Variant type: single nucleotide variant.
Coding change: c.5723G>T on transcript NM_014991.6 (MANE Select); coding-DNA position 5723, G replaced by T.
Protein change: p.Arg1908Leu; replaces arginine 1908 with leucine.
Molecular consequence: missense variant.
Genome position (GRCh38, 1-based): chr4:84,753,713, C>A on the plus strand (G>T on the coding strand, the complement: WDFY3 is on the minus strand). VCF-style: chr4-84753713-C-A. GRCh37 (hg19) VCF-style: chr4-85674866-C-A.
Other names: short protein forms R1908L.
Identifiers: ClinVar variation 4200303 (VCV004200303.1).